The following is an entry in ClinVar:

NM_014727.3(KMT2B):c.5715C>T (p.Asp1905=)

Gene: KMT2B (lysine methyltransferase 2B; plus strand). Cytogenetic location: 19q13.12.
Variant type: single nucleotide variant.
Coding change: c.5715C>T on transcript NM_014727.3 (MANE Select); coding-DNA position 5715, C replaced by T.
Protein change: p.Asp1905=; no amino-acid change (aspartic acid 1905 retained).
Molecular consequence: synonymous variant.
Genome position (GRCh38, 1-based): chr19:35,732,264, C>T. VCF-style: chr19-35732264-C-T. GRCh37 (hg19) VCF-style: chr19-36223165-C-T.
Identifiers: ClinVar variation 4853542 (VCV004853542.1).
Genomic context (GRCh38, chr19:35,732,264, plus strand): 5'-TCCCCCCACAGGAAGTCCATCTTCACTGACCCACCACATCCCCACAGTGGGAGACCCGGA[C>T]TTCCCAGCTCCCCCCAGACGTTCCCGTCGTCCCAGCCCTTTGGCTCCCAGGCCGCCTCCA-3'
Protein context (NP_055542.1, residues 1895-1915): THHIPTVGDP[Asp1905=]FPAPPRRSRR

ClinVar aggregate classification (germline): Likely benign (1 of 4 stars; one submission).

Submission:

Women's Health and Genetics/Laboratory Corporation of America, LabCorp
Classification: Likely benign. Last evaluated: 2026-05-05. Review status: criteria provided, single submitter. Criteria: LabCorp Variant Classification Summary - May 2015. Collection method: clinical testing. Allele origin: germline.
Comment: Variant summary: KMT2B c.5715C>T results in a synonymous change. Consensus agreement among computation tools predict no significant impact on normal splicing. However, these predictions have yet to be confirmed by functional studies. The variant was absent in 239980 control chromosomes. The available data on variant occurrences in the general population are insufficient to allow any conclusion about variant significance. To our knowledge, no occurrence of c.5715C>T in individuals affected with KMT2B-related conditions and no experimental evidence demonstrating its impact on protein function have been reported. No submitters have cited clinical-significance assessments for this variant to ClinVar. Based on the evidence outlined above, the variant was classified as likely benign.